The following is an entry in ClinVar:

NM_015443.4(KANSL1):c.3176G>A (p.Arg1059Gln)

Gene: KANSL1 (KAT8 regulatory NSL complex subunit 1). Cytogenetic location: 17q21.31.
Variant type: single nucleotide variant.
Coding change: c.3176G>A on transcript NM_015443.4 (MANE Select); coding-DNA position 3176, G replaced by A.
Protein change: p.Arg1059Gln; replaces arginine 1059 with glutamine.
Molecular consequence: missense variant.
Genome position (GRCh38, 1-based): chr17:46,031,618, C>T on the plus strand (G>A on the coding strand, the complement: KANSL1 is on the minus strand). VCF-style: chr17-46031618-C-T. GRCh37 (hg19) VCF-style: chr17-44108984-C-T.
Other names: c.3173G>A, p.Arg1058Gln (NM_001193465.2, NM_001405856.1, NM_001405857.1 and 1 more transcripts); c.3176G>A, p.Arg1059Gln (NM_001193466.2, NM_001379198.1, NM_001405854.1 and 1 more transcripts); c.3074G>A, p.Arg1025Gln (NM_001405859.1, NM_001405860.1); c.3071G>A, p.Arg1024Gln (NM_001405861.1); c.3044G>A, p.Arg1015Gln (NM_001405872.1, NM_001405873.1, NM_001405874.1); c.2987G>A, p.Arg996Gln (NM_001405875.1, NM_001405876.1, NM_001405877.1 and 1 more transcripts); c.2984G>A, p.Arg995Gln (NM_001405879.1, NM_001405880.1); c.2939G>A, p.Arg980Gln (NM_001405881.1); and 5 more; short protein forms R573Q, R980Q, R1024Q, R636Q, R995Q, R1015Q, R1025Q, R1058Q.
Identifiers: ClinVar variation 2980669 (VCV002980669.6), dbSNP rs780165589, ClinGen allele CA8618353.

ClinVar aggregate classification (germline): Conflicting classifications of pathogenicity. Review status: criteria provided, conflicting classifications (1 of 4 stars). 3 submissions from 3 submitters: Uncertain significance (2); Benign (1). Last evaluated 2025-10-22.

Conditions:
Koolen-de Vries syndrome (KDVS). Identifiers: Orphanet 96169, MedGen C1864871, MONDO:0012496, OMIM 610443.
Inborn genetic diseases. Identifiers: MedGen C0950123, MeSH D030342.

Allele frequency attached by ClinVar (database versions not stated): gnomAD exomes below 0.00001; ExAC 0.00001; gnomAD 0.00001.
gnomAD v4.1: 6 of 1,613,946 alleles (0.00037%); highest among the groups gnomAD compares: African/African-American, 0.0027%; no homozygotes.

Submissions (3):

Ambry Genetics
Classification: Uncertain significance for Inborn genetic diseases. Last evaluated: 2025-10-22. Review status: criteria provided, single submitter. Criteria: Ambry Variant Classification Scheme 2023. Collection method: clinical testing. Allele origin: germline.

Labcorp Genetics (formerly Invitae), Labcorp
Classification: Benign for Koolen-de Vries syndrome. Last evaluated: 2025-09-02. Review status: criteria provided, single submitter. Criteria: Invitae Variant Classification Sherloc (09022015). Collection method: clinical testing. Allele origin: germline.

Women's Health and Genetics/Laboratory Corporation of America, LabCorp
Classification: Uncertain significance. Last evaluated: 2024-02-29. Review status: criteria provided, single submitter. Criteria: LabCorp Variant Classification Summary - May 2015. Collection method: clinical testing. Allele origin: germline.
Comment: Variant summary: KANSL1 c.3176G>A (p.Arg1059Gln) results in a conservative amino acid change in the encoded protein sequence. Five of five in-silico tools predict a benign effect of the variant on protein function. The variant allele was found at a frequency of 8e-06 in 249790 control chromosomes. The available data on variant occurrences in the general population are insufficient to allow any conclusion about variant significance. To our knowledge, no occurrence of c.3176G>A in individuals affected with Koolen-De Vries Syndrome and no experimental evidence demonstrating its impact on protein function have been reported. No submitters have cited clinical-significance assessments for this variant to ClinVar. Based on the evidence outlined above, the variant was classified as uncertain significance.